The following is an entry in ClinVar:

NM_000553.6(WRN):c.1495A>G (p.Arg499Gly)

Gene: WRN (WRN RecQ like helicase; plus strand). Cytogenetic location: 8p12.
Variant type: single nucleotide variant.
Coding change: c.1495A>G on transcript NM_000553.6 (MANE Select); coding-DNA position 1495, A replaced by G.
Protein change: p.Arg499Gly; replaces arginine 499 with glycine.
Molecular consequence: missense variant.
Genome position (GRCh38, 1-based): chr8:31,087,839, A>G. VCF-style: chr8-31087839-A-G. GRCh37 (hg19) VCF-style: chr8-30945355-A-G.
Other names: short protein forms R499G.
Identifiers: ClinVar variation 528173 (VCV000528173.8), dbSNP rs1554522529, ClinGen allele CA370924434.

ClinVar aggregate classification (germline): Uncertain significance (1 of 4 stars; one submission).

Conditions:
Werner syndrome (WRN). Identifiers: Orphanet 902, MedGen C0043119, MONDO:0010196, OMIM 277700.

Allele frequency attached by ClinVar (database versions not stated): gnomAD exomes 0.00001.
gnomAD v4.1: 8 of 1,613,834 alleles (0.0005%); highest among the groups gnomAD compares: Non-Finnish European, 0.00068%; no homozygotes.

Submission:

Labcorp Genetics (formerly Invitae), Labcorp
Classification: Uncertain significance for Werner syndrome. Last evaluated: 2025-11-10. Review status: criteria provided, single submitter. Criteria: Invitae Variant Classification Sherloc (09022015). Collection method: clinical testing. Allele origin: germline.
Comment: This sequence change replaces arginine, which is basic and polar, with glycine, which is neutral and non-polar, at codon 499 of the WRN protein (p.Arg499Gly). This variant is not present in population databases (gnomAD no frequency). This variant has not been reported in the literature in individuals affected with WRN-related conditions. ClinVar contains an entry for this variant (Variation ID: 528173). An algorithm developed to predict the effect of missense changes on protein structure and function outputs the following: PolyPhen-2: "Benign". The glycine amino acid residue is found in multiple mammalian species, which suggests that this missense change does not adversely affect protein function. In summary, the available evidence is currently insufficient to determine the role of this variant in disease. Therefore, it has been classified as a Variant of Uncertain Significance.